The following is an entry in ClinVar:

ClinVar aggregate classification (germline): Uncertain significance (1 of 4 stars; one submission).

Conditions:
Compton-North congenital myopathy (CMYO12). Identifiers: Orphanet 210163, MedGen C2675527, MONDO:0012929, OMIM 612540.

Allele frequency attached by ClinVar (database versions not stated): ExAC 0.00001.
gnomAD v4.1: 1 of 1,607,306 alleles (0.000062%); highest among the groups gnomAD compares: Non-Finnish European, 0.000085%; no homozygotes.

Submission:

Labcorp Genetics (formerly Invitae), Labcorp
Classification: Uncertain significance for Compton-North congenital myopathy. Last evaluated: 2023-10-03. Review status: criteria provided, single submitter. Criteria: Invitae Variant Classification Sherloc (09022015). Collection method: clinical testing. Allele origin: germline.
Comment: This sequence change replaces threonine, which is neutral and polar, with proline, which is neutral and non-polar, at codon 17 of the CNTN1 protein (p.Thr17Pro). This variant is present in population databases (rs773695120, gnomAD 0.0009%). This variant has not been reported in the literature in individuals affected with CNTN1-related conditions. ClinVar contains an entry for this variant (Variation ID: 2044129). Advanced modeling of protein sequence and biophysical properties (such as structural, functional, and spatial information, amino acid conservation, physicochemical variation, residue mobility, and thermodynamic stability) performed at Invitae indicates that this missense variant is not expected to disrupt CNTN1 protein function. In summary, the available evidence is currently insufficient to determine the role of this variant in disease. Therefore, it has been classified as a Variant of Uncertain Significance.

NM_001843.4(CNTN1):c.49A>C (p.Thr17Pro)

Gene: CNTN1 (contactin 1; plus strand). Cytogenetic location: 12q12.
Variant type: single nucleotide variant.
Coding change: c.49A>C on transcript NM_001843.4 (MANE Select); coding-DNA position 49, A replaced by C.
Protein change: p.Thr17Pro; replaces threonine 17 with proline.
Molecular consequence: missense variant.
Genome position (GRCh38, 1-based): chr12:40,908,481, A>C. VCF-style: chr12-40908481-A-C. GRCh37 (hg19) VCF-style: chr12-41302283-A-C.
Other names: c.49A>C, p.Thr17Pro (NM_001256063.2, NM_001256064.2, NM_175038.2); short protein forms T17P.
Identifiers: ClinVar variation 2044129 (VCV002044129.4), dbSNP rs773695120, ClinGen allele CA6516497.
Genomic context (GRCh38, chr12:40,908,481, plus strand): 5'-ACTGAATACAAGATGAAAATGTGGTTGCTGGTCAGTCATCTTGTGATAATATCTATTACT[A>C]CCTGTTTAGCAGGTAAGAAATATCCTTTGTATATTCTACATATATTATGTCAACATAATT-3'
Protein context (NP_001834.2, residues 7-27): VSHLVIISIT[Thr17Pro]CLAEFTWYRR